The following is an entry in ClinVar:

ClinVar aggregate classification (germline): Uncertain significance. Review status: criteria provided, multiple submitters, no conflicts (2 of 4 stars). 2 submissions from 2 submitters: Uncertain significance (2). Last evaluated 2024-05-26.

Allele frequency attached by ClinVar (database versions not stated): ExAC 0.00001; gnomAD exomes 0.00002.

Submissions (2):

Ambry Genetics
Classification: Uncertain significance. Last evaluated: 2024-05-26. Review status: criteria provided, single submitter. Criteria: Ambry Variant Classification Scheme 2023. Collection method: clinical testing. Allele origin: germline.
Comment: The p.C842R variant (also known as c.2524T>C), located in coding exon 13 of the NPAT gene, results from a T to C substitution at nucleotide position 2524. The cysteine at codon 842 is replaced by arginine, an amino acid with highly dissimilar properties. This amino acid position is conserved. In addition, this alteration is predicted to be tolerated by in silico analysis. Since supporting evidence is limited at this time, the clinical significance of this alteration remains unclear.

Labcorp Genetics (formerly Invitae), Labcorp
Classification: Uncertain significance. Last evaluated: 2024-02-29. Review status: criteria provided, single submitter. Criteria: Invitae Variant Classification Sherloc (09022015). Collection method: clinical testing. Allele origin: germline.
Comment: This sequence change replaces cysteine, which is neutral and slightly polar, with arginine, which is basic and polar, at codon 842 of the NPAT protein (p.Cys842Arg). This variant is present in population databases (rs751352863, gnomAD 0.0009%). This variant has not been reported in the literature in individuals affected with NPAT-related conditions. ClinVar contains an entry for this variant (Variation ID: 1792584). An algorithm developed to predict the effect of missense changes on protein structure and function (PolyPhen-2) suggests that this variant is likely to be disruptive. In summary, the available evidence is currently insufficient to determine the role of this variant in disease. Therefore, it has been classified as a Variant of Uncertain Significance.

NM_002519.3(NPAT):c.2524T>C (p.Cys842Arg)

Gene: NPAT (nuclear protein, coactivator of histone transcription; minus strand). Cytogenetic location: 11q22.3.
Variant type: single nucleotide variant.
Coding change: c.2524T>C on transcript NM_002519.3 (MANE Select); coding-DNA position 2524, T replaced by C.
Protein change: p.Cys842Arg; replaces cysteine 842 with arginine.
Molecular consequence: missense variant.
Genome position (GRCh38, 1-based): chr11:108,172,460, A>G on the plus strand (T>C on the coding strand, the complement: NPAT is on the minus strand). VCF-style: chr11-108172460-A-G. GRCh37 (hg19) VCF-style: chr11-108043187-A-G.
Other names: c.2524T>C, p.Cys842Arg (NM_001321307.1); short protein forms C842R.
Identifiers: ClinVar variation 1792584 (VCV001792584.5), dbSNP rs751352863, ClinGen allele CA6263797.